The following continues an entry in ClinVar:

NM_000059.4(BRCA2):c.6988A>G (p.Ile2330Val)

Gene: BRCA2. ClinVar aggregate classification (germline): Conflicting classifications of pathogenicity. Uncertain significance (8); Likely benign (3).

Submissions 9 to 12 of 12:

Genetics Program, Instituto Nacional de Cancer
Classification: Uncertain significance for Hereditary breast ovarian cancer syndrome. Last evaluated: 2021-11-01. Review status: criteria provided, single submitter. Criteria: ACMG Guidelines, 2015. Collection method: research. Allele origin: germline. Affected: yes.

Ambry Genetics
Classification: Likely benign for Hereditary cancer-predisposing syndrome. Last evaluated: 2020-12-03. Review status: criteria provided, single submitter. Criteria: Ambry Variant Classification Scheme 2023. Collection method: clinical testing. Allele origin: germline.

Mendelics
Classification: Uncertain significance for Breast-ovarian cancer, familial, susceptibility to, 2. Last evaluated: 2019-05-28. Review status: criteria provided, single submitter. Criteria: Mendelics Assertion Criteria 2017. Collection method: clinical testing. Allele origin: unknown.

Department of Pathology and Laboratory Medicine, Sinai Health System
Classification: Uncertain significance for Malignant tumor of breast. Review status: no assertion criteria provided. Collection method: clinical testing. Allele origin: unknown. Affected: yes. Observed: 1 variant allele. Study: The Canadian Open Genetics Repository (COGR). Not counted in ClinVar's aggregate classification.
Comment: The BRCA2 p.Ile2330Val variant was identified in 2 of 1534 proband chromosomes (frequency: 0.001) from individuals or families with breast or ovarian cancer (Alemar 2017, Fernandes 2016). The variant was also identified in dbSNP (ID: rs876661032) as "With Uncertain significance allele", ClinVar (classified as uncertain significance by GeneDx, Invitae, and Integrated Genetics/Laboratory Corporation of America), and LOVD 3.0 (2x). The variant was not identified in the COGR, Cosmic, MutDB, UMD-LSDB, BIC Database, ARUP Laboratories, or Zhejiang University databases. It was not identified in the 1000 Genomes Project, the NHLBI GO Exome Sequencing Project, the Exome Aggregation Consortium (August 8th 2016), or the Genome Aggregation Database (Feb 27, 2017). The p.Ile2330 residue is not conserved in mammals and computational analyses (PolyPhen-2, SIFT, AlignGVGD, BLOSUM, MutationTaster) do not suggest a high likelihood of impact to the protein; however, this information is not predictive enough to rule out pathogenicity. The variant occurs outside of the splicing consensus sequence and 1 of 5 in silico or computational prediction software programs (SpliceSiteFinder, MaxEntScan, NNSPLICE, GeneSplicer, HumanSpliceFinder) predict a greater than 10% difference in splicing; this is not very predictive of pathogenicity. In summary, based on the above information the clinical significance of this variant cannot be determined with certainty at this time. This variant is classified as a variant of uncertain significance.

Literature cited by the submitters: PubMed 27741520 (cited by 6 submitters); PubMed 28651617 (cited by 3 submitters); PubMed 29161300 (cited by 6 submitters); PubMed 36329109 (cited by 4 submitters); PubMed 29659569 (cited by 5 submitters); PubMed 34196900 (cited by Women's Health and Genetics/Laboratory Corporation of America, LabCorp and Quest Diagnostics Nichols Institute San Juan Capistrano); PubMed 35980532 (cited by 3 submitters); PubMed 38311546 (cited by Women's Health and Genetics/Laboratory Corporation of America, LabCorp); PubMed 25085752 (cited by Myriad Genetics, Inc.); PubMed 33471991 (cited by 3 submitters); PubMed 35264596 (cited by Color Diagnostics, LLC DBA Color Health and Quest Diagnostics Nichols Institute San Juan Capistrano); PubMed 36977404 (cited by Color Diagnostics, LLC DBA Color Health and Quest Diagnostics Nichols Institute San Juan Capistrano).